The following is an entry in ClinVar:

ClinVar aggregate classification (germline): Uncertain significance (1 of 4 stars; one submission).

Submission:

ISCA site 4
Classification: Uncertain significance. Last evaluated: 2011-08-12. Review status: criteria provided, single submitter. Criteria: Kaminsky et al. (Genet Med. 2011). Collection method: clinical testing. Allele origin: unknown. Affected: yes. Observed: 1 variant allele.
Comment: Copy number variation identified through the course of routine clinical cytogenomic testing in postnatal populations. Clinical assertions have been curated as described in Kaminsky et al. 2011.

GRCh38/hg38 5p15.31-15.2(chr5:9843412-11298705)x3

Genes: ANKRD33B (ankyrin repeat domain 33B; plus strand), ATPSCKMT (ATP synthase c subunit lysine N-methyltransferase; minus strand), CCT5 (chaperonin containing TCP1 subunit 5; plus strand), CMBL (carboxymethylenebutenolidase homolog; minus strand), CTD-2154B17.1 (uncharacterized CTD-2154B17.1; minus strand) and 67 more. Cytogenetic location: 5p15.31-15.2.
Variant type: copy number gain.
Change: copy number 3 (three copies instead of two) of chr5:9,843,412-11,298,705 (1.46 Mb, GRCh38 coordinates, 1-based), cytogenetic band 5p15.31-15.2.
Identifiers: ClinVar variation 57145 (VCV000057145.1).